The following is an entry in ClinVar:

NM_000535.7(PMS2):c.2517C>G (p.His839Gln)

Gene: PMS2 (PMS1 homolog 2, mismatch repair system component; minus strand). Cytogenetic location: 7p22.1.
Variant type: single nucleotide variant.
Coding change: c.2517C>G on transcript NM_000535.7 (MANE Select); coding-DNA position 2517, C replaced by G.
Protein change: p.His839Gln; replaces histidine 839 with glutamine.
Molecular consequence: missense variant. On other transcripts: non-coding transcript variant (1).
Genome position (GRCh38, 1-based): chr7:5,973,471, G>C on the plus strand (C>G on the coding strand, the complement: PMS2 is on the minus strand). VCF-style: chr7-5973471-G-C. GRCh37 (hg19) VCF-style: chr7-6013102-G-C.
Other names: c.2112C>G, p.His704Gln (NM_001018040.1, NM_001322003.2, NM_001322004.2 and 12 more transcripts); c.2361C>G, p.His787Gln (NM_001322006.2); c.2199C>G, p.His733Gln (NM_001322007.2, NM_001322008.2, NM_001406883.1); c.2145C>G, p.His715Gln (NM_001322009.2, NM_001406887.1, NM_001406888.1); c.1956C>G, p.His652Gln (NM_001322010.2, NM_001406906.1, NM_001406907.1); c.1584C>G, p.His528Gln (NM_001322011.2, NM_001322012.2); c.1944C>G, p.His648Gln (NM_001322013.2, NM_001406908.1, NM_001406909.1); c.2550C>G, p.His850Gln (NM_001322014.2); and 20 more; short protein forms H438Q, H528Q, H582Q, H600Q, H648Q, H652Q, H668Q, H677Q.
Identifiers: ClinVar variation 3232019 (VCV003232019.1), dbSNP rs747600189, ClinGen allele CA366734886.

ClinVar aggregate classification (germline): Uncertain significance (1 of 4 stars; one submission).

Conditions:
Hereditary cancer-predisposing syndrome. Also called: Neoplastic Syndromes, Hereditary; Tumor predisposition; Hereditary neoplastic syndrome; Hereditary Cancer Syndrome. Identifiers: Orphanet 140162, MedGen C0027672, MeSH D009386, MONDO:0015356.

Submission:

Ambry Genetics
Classification: Uncertain significance for Hereditary cancer-predisposing syndrome. Last evaluated: 2023-11-12. Review status: criteria provided, single submitter. Criteria: Ambry Variant Classification Scheme 2023. Collection method: clinical testing. Allele origin: germline.
Comment: The p.H839Q variant (also known as c.2517C>G), located in coding exon 15 of the PMS2 gene, results from a C to G substitution at nucleotide position 2517. The histidine at codon 839 is replaced by glutamine, an amino acid with highly similar properties. This amino acid position is conserved. In addition, this alteration is predicted to be tolerated by in silico analysis. Since supporting evidence is limited at this time, the clinical significance of this alteration remains unclear.